The following is an entry in ClinVar:

ClinVar aggregate classification (germline): Uncertain significance (1 of 4 stars; one submission).

gnomAD v4.1: 1 of 1,612,668 alleles (0.000062%); highest among the groups gnomAD compares: Non-Finnish European, 0.000085%; no homozygotes.

Submission:

Labcorp Genetics (formerly Invitae), Labcorp
Classification: Uncertain significance. Last evaluated: 2024-02-25. Review status: criteria provided, single submitter. Criteria: Invitae Variant Classification Sherloc (09022015). Collection method: clinical testing. Allele origin: germline.
Comment: This sequence change replaces alanine, which is neutral and non-polar, with valine, which is neutral and non-polar, at codon 862 of the COL2A1 protein (p.Ala862Val). This variant is not present in population databases (gnomAD no frequency). This variant has not been reported in the literature in individuals affected with COL2A1-related conditions. Advanced modeling of protein sequence and biophysical properties (such as structural, functional, and spatial information, amino acid conservation, physicochemical variation, residue mobility, and thermodynamic stability) performed at Invitae indicates that this missense variant is not expected to disrupt COL2A1 protein function with a negative predictive value of 95%. In summary, the available evidence is currently insufficient to determine the role of this variant in disease. Therefore, it has been classified as a Variant of Uncertain Significance.

NM_001844.5(COL2A1):c.2585C>T (p.Ala862Val)

Gene: COL2A1 (collagen type II alpha 1 chain; minus strand). Cytogenetic location: 12q13.11.
Variant type: single nucleotide variant.
Coding change: c.2585C>T on transcript NM_001844.5 (MANE Select); coding-DNA position 2585, C replaced by T.
Protein change: p.Ala862Val; replaces alanine 862 with valine.
Molecular consequence: missense variant.
Genome position (GRCh38, 1-based): chr12:47,980,594, G>A on the plus strand (C>T on the coding strand, the complement: COL2A1 is on the minus strand). VCF-style: chr12-47980594-G-A. GRCh37 (hg19) VCF-style: chr12-48374377-G-A.
Other names: c.2378C>T, p.Ala793Val (NM_033150.3); short protein forms A793V, A862V.
Identifiers: ClinVar variation 3678839 (VCV003678839.2).